The following is an entry in ClinVar:

ClinVar aggregate classification (germline): Uncertain significance (1 of 4 stars; one submission).

Conditions:
Emery-Dreifuss muscular dystrophy 5, autosomal dominant (EDMD5). Also called: EMERY-DREIFUSS MUSCULAR DYSTROPHY 5. Identifiers: Orphanet 261, MedGen C2751805, MONDO:0013072, OMIM 612999.

Allele frequency attached by ClinVar (database versions not stated): gnomAD exomes 0.00001 and 0.00002; ExAC 0.00003; gnomAD 0.00006; TOPMed 0.00006.
gnomAD v4.1: 17 of 1,612,942 alleles (0.0011%); highest among the groups gnomAD compares: African/African-American, 0.0094%; no homozygotes.

Submission:

Labcorp Genetics (formerly Invitae), Labcorp
Classification: Uncertain significance for Emery-Dreifuss muscular dystrophy 5, autosomal dominant. Last evaluated: 2023-07-07. Review status: criteria provided, single submitter. Criteria: Invitae Variant Classification Sherloc (09022015). Collection method: clinical testing. Allele origin: germline.
Comment: This sequence change replaces methionine, which is neutral and non-polar, with threonine, which is neutral and polar, at codon 2849 of the SYNE2 protein (p.Met2849Thr). This variant is present in population databases (rs759525460, gnomAD 0.01%). This variant has not been reported in the literature in individuals affected with SYNE2-related conditions. ClinVar contains an entry for this variant (Variation ID: 1013980). Algorithms developed to predict the effect of missense changes on protein structure and function output the following: SIFT: "Not Available"; PolyPhen-2: "Benign"; Align-GVGD: "Not Available". The threonine amino acid residue is found in multiple mammalian species, which suggests that this missense change does not adversely affect protein function. In summary, the available evidence is currently insufficient to determine the role of this variant in disease. Therefore, it has been classified as a Variant of Uncertain Significance.

NM_182914.3(SYNE2):c.8546T>C (p.Met2849Thr)

Gene: SYNE2 (spectrin repeat containing nuclear envelope protein 2; plus strand). Cytogenetic location: 14q23.2.
Variant type: single nucleotide variant.
Coding change: c.8546T>C on transcript NM_182914.3 (MANE Select); coding-DNA position 8546, T replaced by C.
Protein change: p.Met2849Thr; replaces methionine 2849 with threonine.
Molecular consequence: missense variant.
Genome position (GRCh38, 1-based): chr14:64,052,459, T>C. VCF-style: chr14-64052459-T-C. GRCh37 (hg19) VCF-style: chr14-64519177-T-C.
Other names: c.8546T>C, p.Met2849Thr (NM_015180.6); short protein forms M2849T.
Identifiers: ClinVar variation 1013980 (VCV001013980.4), dbSNP rs759525460, ClinGen allele CA7221126.